The following is an entry in ClinVar:

ClinVar aggregate classification (germline): Likely benign (1 of 4 stars; one submission).

Submission:

CeGaT Center for Human Genetics Tuebingen
Classification: Likely benign. Last evaluated: 2025-12-01. Review status: criteria provided, single submitter. Criteria: CeGaT Center For Human Genetics Tuebingen Variant Classification Criteria Version 2. Collection method: clinical testing. Allele origin: germline. Affected: yes. Observed: 1 variant allele.
Comment: DNHD1: PM2:Supporting, BP4, BP7

NM_144666.3(DNHD1):c.13668G>C (p.Ser4556=)

Gene: DNHD1 (dynein heavy chain domain 1; plus strand). Cytogenetic location: 11p15.4.
Variant type: single nucleotide variant.
Coding change: c.13668G>C on transcript NM_144666.3 (MANE Select); coding-DNA position 13668, G replaced by C.
Protein change: p.Ser4556=; no amino-acid change (serine 4556 retained).
Molecular consequence: synonymous variant.
Genome position (GRCh38, 1-based): chr11:6,571,180, G>C. VCF-style: chr11-6571180-G-C. GRCh37 (hg19) VCF-style: chr11-6592410-G-C.
Identifiers: ClinVar variation 4681998 (VCV004681998.5).